The following is an entry in ClinVar:

ClinVar aggregate classification (germline): Uncertain significance (1 of 4 stars; one submission).

Conditions:
Inborn genetic diseases. Identifiers: MedGen C0950123, MeSH D030342.

Submission:

Ambry Genetics
Classification: Uncertain significance for Inborn genetic diseases. Last evaluated: 2023-04-01. Review status: criteria provided, single submitter. Criteria: Ambry Variant Classification Scheme 2023. Collection method: clinical testing. Allele origin: germline.
Comment: The p.T126N variant (also known as c.377C>A), located in coding exon 3 of the CDH2 gene, results from a C to A substitution at nucleotide position 377. The threonine at codon 126 is replaced by asparagine, an amino acid with similar properties. This amino acid position is conserved. In addition, this alteration is predicted to be tolerated by in silico analysis. Since supporting evidence is limited at this time, the clinical significance of this alteration remains unclear.

NM_001792.5(CDH2):c.377C>A (p.Thr126Asn)

Gene: CDH2 (cadherin 2; minus strand). Cytogenetic location: 18q12.1.
Variant type: single nucleotide variant.
Coding change: c.377C>A on transcript NM_001792.5 (MANE Select); coding-DNA position 377, C replaced by A.
Protein change: p.Thr126Asn; replaces threonine 126 with asparagine.
Molecular consequence: missense variant.
Genome position (GRCh38, 1-based): chr18:28,013,705, G>T on the plus strand (C>A on the coding strand, the complement: CDH2 is on the minus strand). VCF-style: chr18-28013705-G-T. GRCh37 (hg19) VCF-style: chr18-25593669-G-T.
Other names: c.284C>A, p.Thr95Asn (NM_001308176.2); short protein forms T95N, T126N.
Identifiers: ClinVar variation 2565598 (VCV002565598.2), dbSNP rs770426519, ClinGen allele CA402244123.